The following is an entry in ClinVar:

ClinVar aggregate classification (germline): Uncertain significance. Review status: criteria provided, multiple submitters, no conflicts (2 of 4 stars). 5 submissions from 5 submitters: Uncertain significance (5). Last evaluated 2026-06-29.

Conditions:
Gaucher disease type I (GD1). Also called: ACID BETA-GLUCOSIDASE DEFICIENCY; GD 1; Gaucher's disease, type 1; Type 1 Gaucher Disease; GAUCHER DISEASE, NONCEREBRAL JUVENILE; GBA DEFICIENCY. Identifiers: Orphanet 355, Orphanet 77259, MedGen C1961835, MONDO:0009265, OMIM 230800.
Gaucher disease type II (GD2). Also called: Acute neuronopathic Gaucher's disease; Type 2 Gaucher disease (Acute; Infantile); GAUCHER DISEASE, ACUTE NEURONOPATHIC TYPE; GD II. Identifiers: Orphanet 77260, MedGen C0268250, MONDO:0009266, OMIM 230900.
Gaucher disease type III. Also called: Gaucher Disease, Type 3; Subacute neuronopathic Gaucher's disease; Type 3 Gaucher disease (Subacute; Juvenile); GAUCHER DISEASE, CHRONIC NEURONOPATHIC TYPE; GAUCHER DISEASE, JUVENILE AND ADULT, CEREBRAL; GAUCHER DISEASE, SUBACUTE NEURONOPATHIC TYPE. Identifiers: Orphanet 355, Orphanet 77261, MedGen C0268251, MONDO:0009267, OMIM 231000.
Gaucher disease-ophthalmoplegia-cardiovascular calcification syndrome. Also called: GAUCHER DISEASE, TYPE IIIC. Identifiers: Orphanet 2072, MedGen C1856476, MONDO:0009268, OMIM 231005.
Parkinson disease, late-onset (PD). Also called: PARKINSON DISEASE, LATE-ONSET, SUSCEPTIBILITY TO; Susceptibility to Parkinson's Disease; Hereditary late onset Parkinson disease. Identifiers: Orphanet 411602, MedGen C3160718, MONDO:0008199, OMIM 168600.
Lewy body dementia (DLB). Also called: Lewy Body Disease. Identifiers: MedGen C0752347, MONDO:0007488, OMIM 127750.
Gaucher disease perinatal lethal. Also called: Gaucher disease collodion type; Gaucher Disease, Perinatal-Lethal Form. Identifiers: Orphanet 85212, MedGen C1842704, MONDO:0011945, OMIM 608013.

Submissions (5):

Women's Health and Genetics/Laboratory Corporation of America, LabCorp
Classification: Uncertain significance. Last evaluated: 2026-06-29. Review status: criteria provided, single submitter. Criteria: LabCorp Variant Classification Summary - May 2015. Collection method: clinical testing. Allele origin: germline.
Comment: Variant summary: GBA1 c.1506-10_1506-9delinsGA alters a nucleotide located at a position not widely known to affect splicing. Several computational tools predict a significant impact on normal splicing: Three predict the variant weakens a 3' acceptor site and one predicts the variant abolishes this site. However, these predictions have yet to be confirmed by functional studies. The variant allele was found at a frequency of 0.00021 in 247876 control chromosomes (gnomAD). This frequency is not significantly higher than estimated for disease-causing variants in GBA1, allowing no conclusion about variant significance. c.1506-10_1506-9delinsGA has been observed in individuals affected with Parkinson's Disease (e.g. Pulkes_2014, Yekeduz_2025). These reports do not provide unequivocal conclusions about association of the variant with disease. To our knowledge, no experimental evidence demonstrating an impact on protein function has been reported. The following publications have been ascertained in the context of this evaluation (PMID: 24997549, 40542290). ClinVar contains an entry for this variant (Variation ID: 596681). Based on the evidence outlined above, the variant was classified as uncertain significance.

GeneDx
Classification: Uncertain significance. Last evaluated: 2024-06-18. Review status: criteria provided, single submitter. Criteria: GeneDx Variant Classification Process June 2021. Collection method: clinical testing. Allele origin: germline. Affected: yes.
Comment: Reported previously in the heterozygous state in 3 individuals with Parkinson's disease, including one individual with early onset Parkinson's disease, in published literature (PMID: 24997549); Not observed at significant frequency in large population cohorts (gnomAD); In silico analysis is inconclusive as to whether the variant alters gene splicing. In the absence of RNA/functional studies, the actual effect of this sequence change is unknown.; This variant is associated with the following publications: (PMID: 27535533, 24997549)

Revvity Omics, Revvity
Classification: Uncertain significance. Last evaluated: 2022-07-26. Review status: criteria provided, single submitter. Criteria: ACMG Guidelines, 2015. Collection method: clinical testing. Allele origin: germline.

Fulgent Genetics
Classification: Uncertain significance for Lewy body dementia; Parkinson disease, late-onset; Gaucher disease type I; Gaucher disease type II; Gaucher disease type III; Gaucher disease-ophthalmoplegia-cardiovascular calcification syndrome; Gaucher disease perinatal lethal. Last evaluated: 2022-04-19. Review status: criteria provided, single submitter. Criteria: ACMG Guidelines, 2015. Collection method: clinical testing. Allele origin: unknown.

Eurofins Ntd Llc (ga)
Classification: Uncertain significance. Last evaluated: 2018-03-27. Review status: criteria provided, single submitter. Criteria: EGL ClinVar v180209 classification definitions. Collection method: clinical testing. Allele origin: germline. Observed: 1 variant allele, 1 heterozygote.

Literature cited by the submitters: PubMed 24997549 (cited by Women's Health and Genetics/Laboratory Corporation of America, LabCorp); PubMed 40542290 (cited by Women's Health and Genetics/Laboratory Corporation of America, LabCorp).

NM_000157.4(GBA1):c.1506-10_1506-9delinsGA

Genes: GBA1 (glucosylceramidase beta 1; minus strand), LOC106627981 (GBA recombination region; plus strand). Cytogenetic location: 1q22.
Variant type: Indel.
Coding change: c.1506-10_1506-9delinsGA on transcript NM_000157.4 (MANE Select); 10 bases into the intron before coding-DNA position 1506 through 9 bases into the intron before coding-DNA position 1506, TG replaced by GA.
Molecular consequence: intron variant.
Genome position (GRCh38, 1-based): chr1:155,235,109-155,235,110, CA replaced by TC on the plus strand (TG replaced by GA on the coding strand, the reverse complement: GBA1 is on the minus strand). VCF-style: chr1-155235109-CA-TC. GRCh37 (hg19) VCF-style: chr1-155204900-CA-TC.
Other names: c.1245-10_1245-9delinsGA (NM_001171811.2); c.1506-10_1506-9delinsGA (NM_001005742.3, NM_001005741.3); c.1359-10_1359-9delinsGA (NM_001171812.2).
Identifiers: ClinVar variation 596681 (VCV000596681.13), dbSNP rs1557900564, ClinGen allele CA913189410.